The following is an entry in ClinVar:

ClinVar aggregate classification (germline): Uncertain significance (1 of 4 stars; one submission).

Conditions:
Cranioectodermal dysplasia 1 (CED1). Also called: LEVIN SYNDROME I. Identifiers: Orphanet 1515, MedGen C0432235, MONDO:0021093, OMIM 218330.

Allele frequency attached by ClinVar (database versions not stated): gnomAD exomes 0.00001; TOPMed 0.00002; gnomAD 0.00003.
gnomAD v4.1: 16 of 1,614,062 alleles (0.00099%); highest among the groups gnomAD compares: Non-Finnish European, 0.0014%; no homozygotes.

Submission:

Labcorp Genetics (formerly Invitae), Labcorp
Classification: Uncertain significance for Cranioectodermal dysplasia 1. Last evaluated: 2024-01-24. Review status: criteria provided, single submitter. Criteria: Invitae Variant Classification Sherloc (09022015). Collection method: clinical testing. Allele origin: germline.
Comment: This sequence change replaces lysine, which is basic and polar, with glutamic acid, which is acidic and polar, at codon 796 of the IFT122 protein (p.Lys796Glu). This variant is present in population databases (no rsID available, gnomAD 0.002%). This variant has not been reported in the literature in individuals affected with IFT122-related conditions. ClinVar contains an entry for this variant (Variation ID: 1926287). Advanced modeling of protein sequence and biophysical properties (such as structural, functional, and spatial information, amino acid conservation, physicochemical variation, residue mobility, and thermodynamic stability) performed at Invitae indicates that this missense variant is not expected to disrupt IFT122 protein function with a negative predictive value of 80%. In summary, the available evidence is currently insufficient to determine the role of this variant in disease. Therefore, it has been classified as a Variant of Uncertain Significance.

NM_052989.3(IFT122):c.2233A>G (p.Lys745Glu)

Gene: IFT122 (intraflagellar transport 122; plus strand). Cytogenetic location: 3q21.3.
Variant type: single nucleotide variant.
Coding change: c.2233A>G on transcript NM_052989.3 (MANE Select); coding-DNA position 2233, A replaced by G.
Protein change: p.Lys745Glu; replaces lysine 745 with glutamic acid.
Molecular consequence: missense variant.
Genome position (GRCh38, 1-based): chr3:129,499,926, A>G. VCF-style: chr3-129499926-A-G. GRCh37 (hg19) VCF-style: chr3-129218769-A-G.
Other names: c.2209A>G, p.Lys737Glu (NM_001280541.2); c.1783A>G, p.Lys595Glu (NM_001280545.2); c.1606A>G, p.Lys536Glu (NM_001280546.2); c.2233A>G, p.Lys745Glu (NM_001410808.1); c.2179A>G, p.Lys727Glu (NM_001410809.1); c.2056A>G, p.Lys686Glu (NM_001410810.1, NM_018262.4); c.2002A>G, p.Lys668Glu (NM_001410811.1, NM_001410813.1); c.1900A>G, p.Lys634Glu (NM_001410815.1, NM_052990.3); and 2 more; short protein forms K536E, K616E, K686E, K727E, K737E, K796E, K595E, K634E.
Identifiers: ClinVar variation 1926287 (VCV001926287.4), dbSNP rs1475726384, ClinGen allele CA354481792.